The following is an entry in ClinVar:

ClinVar aggregate classification (germline): Benign/Likely benign. Review status: criteria provided, multiple submitters, no conflicts (2 of 4 stars). 3 submissions from 3 submitters: Benign (1); Likely benign (2). Last evaluated 2026-02-01.

Allele frequency attached by ClinVar (database versions not stated): TOPMed 0.00001; gnomAD exomes 0.00008 and 0.00014; gnomAD 0.00009; ExAC 0.00011; 1000 Genomes Project 30x 0.00016; 1000 Genomes Project 0.00020.
gnomAD v4.1: 139 of 1,614,234 alleles (0.0086%); highest among the groups gnomAD compares: South Asian, 0.13%; no homozygotes.

Submissions (3):

CeGaT Center for Human Genetics Tuebingen
Classification: Likely benign. Last evaluated: 2026-02-01. Review status: criteria provided, single submitter. Criteria: CeGaT Center For Human Genetics Tuebingen Variant Classification Criteria Version 2. Collection method: clinical testing. Allele origin: germline. Affected: yes. Observed: 1 variant allele.
Comment: KCNQ5: BP4, BP7, BS1

Labcorp Genetics (formerly Invitae), Labcorp
Classification: Benign. Last evaluated: 2025-12-01. Review status: criteria provided, single submitter. Criteria: Invitae Variant Classification Sherloc (09022015). Collection method: clinical testing. Allele origin: germline.

Blueprint Genetics
Classification: Likely benign. Last evaluated: 2023-07-21. Review status: criteria provided, single submitter. Criteria: ACMG Guidelines, 2015. Collection method: clinical testing. Allele origin: germline.

NM_019842.4(KCNQ5):c.2085T>C (p.Asn695=)

Gene: KCNQ5 (potassium voltage-gated channel subfamily Q member 5; plus strand). Cytogenetic location: 6q13.
Variant type: single nucleotide variant.
Coding change: c.2085T>C on transcript NM_019842.4 (MANE Select); coding-DNA position 2085, T replaced by C.
Protein change: p.Asn695=; no amino-acid change (asparagine 695 retained).
Molecular consequence: synonymous variant.
Genome position (GRCh38, 1-based): chr6:73,194,700, T>C. VCF-style: chr6-73194700-T-C. GRCh37 (hg19) VCF-style: chr6-73904423-T-C.
Other names: c.2058T>C, p.Asn686= (NM_001160130.2); c.2115T>C, p.Asn705= (NM_001160132.2); c.2142T>C, p.Asn714= (NM_001160133.2); c.1755T>C, p.Asn585= (NM_001160134.2).
Identifiers: ClinVar variation 1571035 (VCV001571035.14), dbSNP rs571372519, ClinGen allele CA3887203.